The following is an entry in ClinVar:

ClinVar aggregate classification (germline): Conflicting classifications of pathogenicity. Review status: criteria provided, conflicting classifications (1 of 4 stars). 2 submissions from 2 submitters: Uncertain significance (1); Likely benign (1). Last evaluated 2025-10-01.

Conditions:
ALG11-congenital disorder of glycosylation. Also called: CONGENITAL DISORDER OF GLYCOSYLATION, TYPE Ip; ALG11-CDG. Identifiers: Orphanet 280071, MedGen C3150913, MONDO:0013349, OMIM 613661.

Allele frequency attached by ClinVar (database versions not stated): gnomAD 0.00003; gnomAD exomes 0.00003 and 0.00004; TOPMed 0.00003; ESP Exome Variant Server 0.00008.
gnomAD v4.1: 55 of 1,614,140 alleles (0.0034%); highest among the groups gnomAD compares: Admixed American, 0.015%; no homozygotes.

Submissions (2):

CeGaT Center for Human Genetics Tuebingen
Classification: Likely benign. Last evaluated: 2025-10-01. Review status: criteria provided, single submitter. Criteria: CeGaT Center For Human Genetics Tuebingen Variant Classification Criteria Version 2. Collection method: clinical testing. Allele origin: germline. Affected: yes. Observed: 1 variant allele.
Comment: UTP14C: BP4, BP7

Illumina Laboratory Services, Illumina
Classification: Uncertain significance for ALG11-congenital disorder of glycosylation. Last evaluated: 2018-01-12. Review status: criteria provided, single submitter. Criteria: ICSL Variant Classification Criteria 13 December 2019. Collection method: clinical testing. Allele origin: germline.

NM_021645.6(UTP14C):c.192T>C (p.Ser64=)

Genes: ALG11 (ALG11 alpha-1,2-mannosyltransferase; plus strand), UTP14C (UTP14C small subunit processome component; plus strand). Cytogenetic location: 13q14.3.
Variant type: single nucleotide variant.
Coding change: c.192T>C on transcript NM_021645.6 (MANE Select); coding-DNA position 192, T replaced by C.
Protein change: p.Ser64=; no amino-acid change (serine 64 retained).
Molecular consequence: synonymous variant. On other transcripts: 3 prime UTR variant (1), non-coding transcript variant (1).
Genome position (GRCh38, 1-based): chr13:52,028,996, T>C. VCF-style: chr13-52028996-T-C. GRCh37 (hg19) VCF-style: chr13-52603132-T-C.
Other names: c.*406T>C (NM_001004127.3).
Identifiers: ClinVar variation 312421 (VCV000312421.11), dbSNP rs137988059, ClinGen allele CA10634500.